The following is an entry in ClinVar:

ClinVar aggregate classification (germline): Pathogenic (1 of 4 stars; one submission).

Conditions:
Chédiak-Higashi syndrome (CHS). Also called: Chediak-Higashi Syndrome. Identifiers: Orphanet 167, MedGen C0007965, MONDO:0008963, OMIM 214500.

Submission:

3billion
Classification: Pathogenic for Chédiak-Higashi syndrome. Last evaluated: 2025-12-01. Review status: criteria provided, single submitter. Criteria: ACMG Guidelines, 2015. Collection method: clinical testing. Allele origin: germline. Affected: yes.
Comment: The variant is not observed in the gnomAD v4.1.0 dataset. Predicted Consequence/Location: Frameshift: predicted to result in a loss or disruption of normal protein function through nonsense-mediated decay (NMD) or protein truncation. Multiple pathogenic variants are reported downstream of the variant. Therefore, this variant is classified as Pathogenic according to the recommendation of ACMG/AMP guideline.

NM_000081.4(LYST):c.10314dup (p.Leu3439fs)

Gene: LYST (lysosomal trafficking regulator; minus strand). Cytogenetic location: 1q42.3.
Variant type: Duplication.
Coding change: c.10314dup on transcript NM_000081.4 (MANE Select); coding-DNA position 10314, one base duplicated (G; older notation c.10314dupG).
Protein change: p.Leu3439fs; shifts the reading frame from leucine 3439.
Molecular consequence: frameshift variant.
Genome position (GRCh38, 1-based): chr1:235,702,807, C duplicated on the plus strand (G on the coding strand, the reverse complement: LYST is on the minus strand); the first of 4 consecutive C bases (chr1:235,702,807-235,702,810); duplicating any one gives the same sequence. VCF-style (leftmost placement, unchanged base first): chr1-235702806-A-AC. GRCh37 (hg19) VCF-style: chr1-235866106-A-AC.
Other names: c.10314dup, p.Leu3439fs (NM_001301365.1); short protein forms L3439fs.
Identifiers: ClinVar variation 4854597 (VCV004854597.1).